The following is an entry in ClinVar:

NM_001042492.3(NF1):c.987_991del (p.Ala330fs)

Gene: NF1 (neurofibromin 1; plus strand). Cytogenetic location: 17q11.2.
Variant type: Deletion.
Coding change: c.987_991del on transcript NM_001042492.3 (MANE Select); coding-DNA positions 987 to 991, 5 bases deleted (AGCAA; older notation c.987_991delAGCAA).
Protein change: p.Ala330fs; shifts the reading frame from alanine 330.
Molecular consequence: frameshift variant.
Genome position (GRCh38, 1-based): chr17:31,200,520-31,200,524, AGCAA deleted; deleting any 5 consecutive bases within chr17:31,200,518-31,200,524 gives the same sequence; the c. name uses the placement nearest the transcript's 3' end. VCF-style (leftmost placement, unchanged base first): chr17-31200517-TAAAGC-T. GRCh37 (hg19) VCF-style: chr17-29527535-TAAAGC-T.
Other names: c.987_991delAGCAA, p.Ala330Tyrfs (NM_000267.4); c.987_991del, p.Ala330fs (NM_001128147.3); c.987_991delAGCAA (NM_000267.3); short protein forms A330fs.
Identifiers: ClinVar variation 3404917 (VCV003404917.1).

ClinVar aggregate classification (germline): Pathogenic (1 of 4 stars; one submission).

Conditions:
Hereditary cancer-predisposing syndrome. Also called: Hereditary Cancer Syndrome; Tumor predisposition; Hereditary neoplastic syndrome; Neoplastic Syndromes, Hereditary. Identifiers: Orphanet 140162, MedGen C0027672, MeSH D009386, MONDO:0015356.
Cardiovascular phenotype. Identifiers: MedGen CN230736.

Submission:

Ambry Genetics
Classification: Pathogenic for Cardiovascular phenotype; Hereditary cancer-predisposing syndrome. Last evaluated: 2024-11-27. Review status: criteria provided, single submitter. Criteria: Ambry Variant Classification Scheme 2023. Collection method: clinical testing. Allele origin: germline.
Comment: The c.987_991delAGCAA pathogenic mutation, located in coding exon 9 of the NF1 gene, results from a deletion of 5 nucleotides at nucleotide positions 987 to 991, causing a translational frameshift with a predicted alternate stop codon (p.A330Yfs*8). This variant is considered to be rare based on population cohorts in the Genome Aggregation Database (gnomAD). This alteration is expected to result in loss of function by premature protein truncation or nonsense-mediated mRNA decay. As such, this alteration is interpreted as a disease-causing mutation.